The following is an entry in ClinVar:

ClinVar aggregate classification (germline): Uncertain significance (1 of 4 stars; one submission).

gnomAD v4.1: 11 of 1,612,356 alleles (0.00068%); highest among the groups gnomAD compares: East Asian, 0.011%; no homozygotes.

Submission:

GeneDx
Classification: Uncertain significance. Last evaluated: 2022-03-14. Review status: criteria provided, single submitter. Criteria: GeneDx Variant Classification Process June 2021. Collection method: clinical testing. Allele origin: germline. Affected: yes.
Comment: Not observed at significant frequency in large population cohorts (gnomAD); In silico analysis supports that this missense variant has a deleterious effect on protein structure/function; Has not been previously published as pathogenic or benign to our knowledge

NM_006842.3(SF3B2):c.401G>C (p.Arg134Pro)

Gene: SF3B2 (splicing factor 3b subunit 2; plus strand). Cytogenetic location: 11q13.1.
Variant type: single nucleotide variant.
Coding change: c.401G>C on transcript NM_006842.3 (MANE Select); coding-DNA position 401, G replaced by C.
Protein change: p.Arg134Pro; replaces arginine 134 with proline.
Molecular consequence: missense variant.
Genome position (GRCh38, 1-based): chr11:66,055,218, G>C. VCF-style: chr11-66055218-G-C. GRCh37 (hg19) VCF-style: chr11-65822689-G-C.
Other names: short protein forms R134P.
Identifiers: ClinVar variation 1706330 (VCV001706330.2), dbSNP rs145088115, ClinGen allele CA381373339.